The following is an entry in ClinVar:

ClinVar aggregate classification (germline): Uncertain significance (1 of 4 stars; one submission).

Submission:

CeGaT Center for Human Genetics Tuebingen
Classification: Uncertain significance. Last evaluated: 2023-08-01. Review status: criteria provided, single submitter. Criteria: CeGaT Center For Human Genetics Tuebingen Variant Classification Criteria Version 2. Collection method: clinical testing. Allele origin: germline. Affected: yes. Observed: 1 variant allele.
Comment: NDUFS6: PM2

NM_004553.6(NDUFS6):c.94G>A (p.Val32Ile)

Gene: NDUFS6 (NADH:ubiquinone oxidoreductase subunit S6; plus strand). Cytogenetic location: 5p15.33.
Variant type: single nucleotide variant.
Coding change: c.94G>A on transcript NM_004553.6 (MANE Select); coding-DNA position 94, G replaced by A.
Protein change: p.Val32Ile; replaces valine 32 with isoleucine.
Molecular consequence: missense variant.
Genome position (GRCh38, 1-based): chr5:1,801,511, G>A. VCF-style: chr5-1801511-G-A. GRCh37 (hg19) VCF-style: chr5-1801625-G-A.
Other names: short protein forms V32I.
Identifiers: ClinVar variation 2655278 (VCV002655278.24), dbSNP rs2477213897, ClinGen allele CA359088765.